The following is an entry in ClinVar:

ClinVar aggregate classification (germline): Likely pathogenic (1 of 4 stars; one submission).

Conditions:
Spastic paraplegia. Identifiers: MedGen C0037772, HP:0001258.

Submission:

Labcorp Genetics (formerly Invitae), Labcorp
Classification: Likely pathogenic for Spastic paraplegia. Last evaluated: 2022-01-17. Review status: criteria provided, single submitter. Criteria: Invitae Variant Classification Sherloc (09022015). Collection method: clinical testing. Allele origin: germline.
Comment: This sequence change affects an acceptor splice site in intron 23 of the ZFYVE26 gene. It is expected to disrupt RNA splicing. Variants that disrupt the donor or acceptor splice site typically lead to a loss of protein function (PMID: 16199547), and loss-of-function variants in ZFYVE26 are known to be pathogenic (PMID: 18394578, 19805727). In summary, the currently available evidence indicates that the variant is pathogenic, but additional data are needed to prove that conclusively. Therefore, this variant has been classified as Likely Pathogenic. Algorithms developed to predict the effect of sequence changes on RNA splicing suggest that this variant may disrupt the consensus splice site. This variant has not been reported in the literature in individuals affected with ZFYVE26-related conditions. This variant is not present in population databases (gnomAD no frequency).

Literature cited by the submitters: PubMed 16199547; PubMed 18394578; PubMed 19805727.

NM_015346.4(ZFYVE26):c.4675-2A>G

Gene: ZFYVE26 (zinc finger FYVE-type containing 26; minus strand). Cytogenetic location: 14q24.1.
Variant type: single nucleotide variant.
Coding change: c.4675-2A>G on transcript NM_015346.4 (MANE Select); the canonical splice acceptor site of the intron before coding-DNA position 4675, A replaced by G.
Molecular consequence: splice acceptor variant.
Genome position (GRCh38, 1-based): chr14:67,778,250, T>C on the plus strand (A>G on the coding strand, the complement: ZFYVE26 is on the minus strand). VCF-style: chr14-67778250-T-C. GRCh37 (hg19) VCF-style: chr14-68244967-T-C.
Identifiers: ClinVar variation 2087250 (VCV002087250.4), dbSNP rs2502791697, ClinGen allele CA390169271.